The following is an entry in ClinVar:

NM_001365536.1(SCN9A):c.2392A>G (p.Met798Val)

Genes: SCN1A-AS1 (SCN1A and SCN9A antisense RNA 1; plus strand), SCN9A (sodium voltage-gated channel alpha subunit 9; minus strand). Cytogenetic location: 2q24.3.
Variant type: single nucleotide variant.
Coding change: c.2392A>G on transcript NM_001365536.1 (MANE Select); coding-DNA position 2392, A replaced by G.
Protein change: p.Met798Val; replaces methionine 798 with valine.
Molecular consequence: missense variant.
Genome position (GRCh38, 1-based): chr2:166,278,265, T>C on the plus strand (A>G on the coding strand, the complement: SCN9A is on the minus strand). VCF-style: chr2-166278265-T-C. GRCh37 (hg19) VCF-style: chr2-167134775-T-C.
Other names: c.2359A>G, p.Met787Val (NM_002977.4); short protein forms M787V, M798V.
Identifiers: ClinVar variation 194498 (VCV000194498.28), dbSNP rs149707354, ClinGen allele CA201201.

ClinVar aggregate classification (germline): Benign/Likely benign. Review status: criteria provided, multiple submitters, no conflicts (2 of 4 stars). 10 submissions from 8 submitters: Benign (9); Likely benign (1). Last evaluated 2026-06-01.

Conditions:
Generalized epilepsy with febrile seizures plus, type 7 (GEFSP7). Also called: GEFS+, TYPE 7. Identifiers: Orphanet 36387, MedGen C2751778, MONDO:0013470, OMIM 613863.
Neuropathy, hereditary sensory and autonomic, type 2A (HSAN2A). Also called: ACROOSTEOLYSIS, GIACCAI TYPE; ACROOSTEOLYSIS, NEUROGENIC; MORVAN DISEASE; NEUROPATHY, CONGENITAL SENSORY; NEUROPATHY, HEREDITARY SENSORY RADICULAR, AUTOSOMAL RECESSIVE; NEUROPATHY, HEREDITARY SENSORY, TYPE IIA. Identifiers: Orphanet 970, MedGen C2752089, MONDO:0024309, OMIM 201300.
Channelopathy-associated congenital insensitivity to pain, autosomal recessive. Also called: Insensitivity to pain, channelopathy-associated; ASYMBOLIA FOR PAIN; CONGENITAL ANALGESIA, AUTOSOMAL RECESSIVE. Identifiers: Orphanet 88642, Orphanet 970, MedGen C1855739, MONDO:0009459, OMIM 243000.
Primary erythromelalgia. Also called: primary erythermalgia; SCN9A Erythromelalgia (SCN9A-EM). Identifiers: Orphanet 306577, Orphanet 90026, MedGen C0014805, MONDO:0007571, OMIM 133020.
Paroxysmal extreme pain disorder (PEXPD). Also called: PAIN, SUBMANDIBULAR, OCULAR, AND RECTAL, WITH FLUSHING; RECTAL PAIN, FAMILIAL; SCN9A Paroxysmal Extreme Pain Disorder (SCN9A-PEPD). Identifiers: Orphanet 46348, MedGen C1833661, MONDO:0008179, OMIM 167400.

Allele frequency attached by ClinVar (database versions not stated): ESP Exome Variant Server 0.00008; gnomAD 0.00056 and 0.00097; TOPMed 0.00183; gnomAD exomes 0.00192; ExAC 0.00207; 1000 Genomes Project 30x 0.00344; 1000 Genomes Project 0.00459.
gnomAD v4.1: 1,360 of 1,611,782 alleles (0.084%); highest among the groups gnomAD compares: East Asian, 2.5%; 24 homozygotes.

Submissions (10):

CeGaT Center for Human Genetics Tuebingen
Classification: Benign. Last evaluated: 2026-06-01. Review status: criteria provided, single submitter. Criteria: CeGaT Center For Human Genetics Tuebingen Variant Classification Criteria Version 2. Collection method: clinical testing. Allele origin: germline. Affected: yes. Observed: 1 variant allele.
Comment: SCN9A: BS1, BS2

Labcorp Genetics (formerly Invitae), Labcorp
Classification: Benign for Neuropathy, hereditary sensory and autonomic, type 2A; Generalized epilepsy with febrile seizures plus, type 7. Last evaluated: 2026-01-17. Review status: criteria provided, single submitter. Criteria: Invitae Variant Classification Sherloc (09022015). Collection method: clinical testing. Allele origin: germline.

GeneDx
Classification: Benign. Last evaluated: 2019-11-18. Review status: criteria provided, single submitter. Criteria: GeneDx Variant Classification Process June 2021. Collection method: clinical testing. Allele origin: germline. Affected: yes.
Comment: This variant is associated with the following publications: (PMID: 29924869)

Centre for Mendelian Genomics, University Medical Centre Ljubljana
Classification: Benign for Neuropathy, hereditary sensory and autonomic, type 2A. Last evaluated: 2019-03-26. Review status: criteria provided, single submitter. Criteria: ACMG Guidelines, 2015. Collection method: clinical testing. Allele origin: unknown. Affected: yes.
Comment: This variant was classified as: Benign. The following ACMG criteria were applied in classifying this variant: BS1,BS2.

Illumina Laboratory Services, Illumina
Classification: Benign for Paroxysmal extreme pain disorder. Last evaluated: 2018-01-12. Review status: criteria provided, single submitter. Criteria: ICSL Variant Classification Criteria 13 December 2019. Collection method: clinical testing. Allele origin: germline.
Comment: This variant was observed in the ICSL laboratory as part of a predisposition screen in an ostensibly healthy population. It had not been previously curated by ICSL or reported in the Human Gene Mutation Database (HGMD: prior to June 1st, 2018), and was therefore a candidate for classification through an automated scoring system. Utilizing variant allele frequency, disease prevalence and penetrance estimates, and inheritance mode, an automated score was calculated to assess if this variant is too frequent to cause the disease. Based on the score and internal cut-off values, a variant classified as benign is not then subjected to further curation. The score for this variant resulted in a classification of benign for this disease.

Illumina Laboratory Services, Illumina
Classification: Benign for Primary erythromelalgia. Last evaluated: 2018-01-12. Review status: criteria provided, single submitter. Criteria: ICSL Variant Classification Criteria 13 December 2019. Collection method: clinical testing. Allele origin: germline.
Comment: the same text as in the submission from Illumina Laboratory Services, Illumina above.

Illumina Laboratory Services, Illumina
Classification: Benign for Channelopathy-associated congenital insensitivity to pain, autosomal recessive. Last evaluated: 2018-01-12. Review status: criteria provided, single submitter. Criteria: ICSL Variant Classification Criteria 13 December 2019. Collection method: clinical testing. Allele origin: germline.
Comment: the same text as in the submission from Illumina Laboratory Services, Illumina above.

Center for Pediatric Genomic Medicine, Children's Mercy Hospital and Clinics
Classification: Likely benign. Last evaluated: 2017-06-05. Review status: criteria provided, single submitter. Criteria: ACMG Guidelines, 2015. Collection method: clinical testing. Allele origin: germline.

Eurofins Ntd Llc (ga)
Classification: Benign. Last evaluated: 2015-03-19. Review status: criteria provided, single submitter. Criteria: EGL Classification Definitions 2015. Collection method: clinical testing. Allele origin: germline. Observed: 1 variant allele, 1 heterozygote.

PreventionGenetics, part of Exact Sciences
Classification: Benign. Review status: criteria provided, single submitter. Criteria: ACMG Guidelines, 2015. Collection method: clinical testing. Allele origin: germline.